The following is an entry in ClinVar:

ClinVar aggregate classification (germline): Uncertain significance (1 of 4 stars; one submission).

Submission:

Blueprint Genetics
Classification: Uncertain significance. Last evaluated: 2018-08-15. Review status: criteria provided, single submitter. Criteria: Blueprint Genetics Variant Classification Scheme. Collection method: clinical testing. Allele origin: germline.

NM_006389.5(HYOU1):c.454A>G (p.Met152Val)

Gene: HYOU1 (hypoxia up-regulated 1; minus strand). Cytogenetic location: 11q23.3.
Variant type: single nucleotide variant.
Coding change: c.454A>G on transcript NM_006389.5 (MANE Select); coding-DNA position 454, A replaced by G.
Protein change: p.Met152Val; replaces methionine 152 with valine.
Molecular consequence: missense variant.
Genome position (GRCh38, 1-based): chr11:119,055,026, T>C on the plus strand (A>G on the coding strand, the complement: HYOU1 is on the minus strand). VCF-style: chr11-119055026-T-C. GRCh37 (hg19) VCF-style: chr11-118925738-T-C.
Other names: c.454A>G, p.Met152Val (NM_001130991.3); short protein forms M152V.
Identifiers: ClinVar variation 636750 (VCV000636750.1), dbSNP rs1592155765, ClinGen allele CA382949982.
Genomic context (GRCh38, chr11:119,055,026, plus strand): 5'-CCCACCTTGACCACTCACCTGCAAAATCTTCAGCTAGAGAACGAGAATAATTGAGAACCA[T>C]GCCCAACACTTCCTCAGGTGAGAACTGCAGCTGCCTGAGGGGAAGGAAGGTAGTTGGAGC-3'
Protein context (NP_006380.1, residues 142-162): LQFSPEEVLG[Met152Val]VLNYSRSLAE